The following is an entry in ClinVar:

ClinVar aggregate classification (germline): Uncertain significance (1 of 4 stars; one submission).

Submission:

GeneDx
Classification: Uncertain significance. Last evaluated: 2023-03-01. Review status: criteria provided, single submitter. Criteria: GeneDx Variant Classification Process June 2021. Collection method: clinical testing. Allele origin: germline. Affected: yes.
Comment: In-frame deletion of 2 amino acids in a non-repeat region; Not observed at significant frequency in large population cohorts (gnomAD); In silico analysis supports that this variant does not alter protein structure/function; Has not been previously published as pathogenic or benign to our knowledge

NM_003403.5(YY1):c.167_172del (p.Gly56_Gly57del)

Gene: YY1 (YY1 transcription factor; plus strand). Cytogenetic location: 14q32.2.
Variant type: Deletion.
Coding change: c.167_172del on transcript NM_003403.5 (MANE Select); coding-DNA positions 167 to 172, 6 bases deleted (GTGGCG; older notation c.167_172delGTGGCG).
Protein change: p.Gly56_Gly57del.
Molecular consequence: inframe deletion. On other transcripts: inframe indel (1).
Genome position (GRCh38, 1-based): chr14:100,239,411-100,239,416, GTGGCG deleted; deleting any 6 consecutive bases within chr14:100,239,407-100,239,416 gives the same sequence; the c. name uses the placement nearest the transcript's 3' end. VCF-style (leftmost placement, unchanged base first): chr14-100239406-CGGCGGT-C. GRCh37 (hg19) VCF-style: chr14-100705743-CGGCGGT-C.
Other names: c.167_172delGTGGCG, p.Gly56_Gly57del (NM_003403.4).
Identifiers: ClinVar variation 2578127 (VCV002578127.1), dbSNP rs2549127188, ClinGen allele CA2580617695.